The following is an entry in ClinVar:

NM_005045.4(RELN):c.9651_9652delinsAA (p.Gln3218Lys)

Genes: RELN (reelin; minus strand), SLC26A5-AS1 (SLC26A5 antisense RNA 1; plus strand), LOC126860130 (BRD4-independent group 4 enhancer GRCh37_chr7:103130126-103131325; plus strand). Cytogenetic location: 7q22.1.
Variant type: Indel.
Coding change: c.9651_9652delinsAA on transcript NM_005045.4 (MANE Select); coding-DNA positions 9651 to 9652, GC replaced by AA.
Protein change: p.Gln3218Lys; replaces glutamine 3218 with lysine.
Molecular consequence: missense variant.
Genome position (GRCh38, 1-based): chr7:103,489,853-103,489,854, GC replaced by TT on the plus strand (GC replaced by AA on the coding strand, the reverse complement: RELN is on the minus strand). VCF-style: chr7-103489853-GC-TT. GRCh37 (hg19) VCF-style: chr7-103130300-GC-TT.
Other names: c.9651_9652delinsAA, p.Gln3218Lys (NM_173054.3); short protein forms Q3218K.
Identifiers: ClinVar variation 4793187 (VCV004793187.1).

ClinVar aggregate classification (germline): Uncertain significance (1 of 4 stars; one submission).

Conditions:
Norman-Roberts syndrome (LIS2). Also called: Lissencephaly 2 (Norman-Roberts type). Identifiers: Orphanet 89844, MedGen C0796089, MONDO:0009760, OMIM 257320.
Familial temporal lobe epilepsy 7. Identifiers: Orphanet 101046, MedGen C4225327, MONDO:0014639, OMIM 616436.

Submission:

Labcorp Genetics (formerly Invitae), Labcorp
Classification: Uncertain significance for Familial temporal lobe epilepsy 7; Norman-Roberts syndrome. Last evaluated: 2025-11-03. Review status: criteria provided, single submitter. Criteria: Invitae Variant Classification Sherloc (09022015). Collection method: clinical testing. Allele origin: germline.
Comment: This sequence change replaces glutamine, which is neutral and polar, with lysine, which is basic and polar, at codon 3218 of the RELN protein (p.Gln3218Lys). Information on the frequency of this variant in the gnomAD database is not available, as this variant may be reported differently in the database. This variant has not been reported in the literature in individuals affected with RELN-related conditions. Experimental studies and prediction algorithms are not available or were not evaluated, and the functional significance of this variant is currently unknown. In summary, the available evidence is currently insufficient to determine the role of this variant in disease. Therefore, it has been classified as a Variant of Uncertain Significance.